The following is an entry in ClinVar:

ClinVar aggregate classification (germline): Uncertain significance (1 of 4 stars; one submission).

Submission:

Labcorp Genetics (formerly Invitae), Labcorp
Classification: Uncertain significance. Last evaluated: 2025-06-24. Review status: criteria provided, single submitter. Criteria: Invitae Variant Classification Sherloc (09022015). Collection method: clinical testing. Allele origin: germline.
Comment: This sequence change replaces methionine, which is neutral and non-polar, with isoleucine, which is neutral and non-polar, at codon 279 of the CLUAP1 protein (p.Met279Ile). This variant is not present in population databases (gnomAD no frequency). This variant has not been reported in the literature in individuals affected with CLUAP1-related conditions. Invitae Evidence Modeling of protein sequence and biophysical properties (such as structural, functional, and spatial information, amino acid conservation, physicochemical variation, residue mobility, and thermodynamic stability) indicates that this missense variant is not expected to disrupt CLUAP1 protein function with a negative predictive value of 80%. In summary, the available evidence is currently insufficient to determine the role of this variant in disease. Therefore, it has been classified as a Variant of Uncertain Significance.

NM_015041.3(CLUAP1):c.837G>A (p.Met279Ile)

Gene: CLUAP1 (clusterin associated protein 1; plus strand). Cytogenetic location: 16p13.3.
Variant type: single nucleotide variant.
Coding change: c.837G>A on transcript NM_015041.3 (MANE Select); coding-DNA position 837, G replaced by A.
Protein change: p.Met279Ile; replaces methionine 279 with isoleucine.
Molecular consequence: missense variant.
Genome position (GRCh38, 1-based): chr16:3,523,281, G>A. VCF-style: chr16-3523281-G-A. GRCh37 (hg19) VCF-style: chr16-3573281-G-A.
Other names: c.837G>A, p.Met279Ile (NM_001330454.2); c.339G>A, p.Met113Ile (NM_024793.3); short protein forms M279I, M113I.
Identifiers: ClinVar variation 4720754 (VCV004720754.1).
Genomic context (GRCh38, chr16:3,523,281, plus strand): 5'-TCTGGAGAAATTTCAAAATCTGACTTATCTGGAACAACAGCTTGAAGACCATCATAGGAT[G>A]GAGCAAGAAAGGTTTGAGGTGAGCTGAGCCTGTCCTCTGTTCAGCCATTCCTTCTGGTGT-3'
Protein context (NP_055856.1, residues 269-289): LEQQLEDHHR[Met279Ile]EQERFEEAKN